The following is an entry in ClinVar:

NM_014244.5(ADAMTS2):c.997G>A (p.Gly333Arg)

Gene: ADAMTS2 (ADAM metallopeptidase with thrombospondin type 1 motif 2; minus strand). Cytogenetic location: 5q35.3.
Variant type: single nucleotide variant.
Coding change: c.997G>A on transcript NM_014244.5 (MANE Select); coding-DNA position 997, G replaced by A.
Protein change: p.Gly333Arg; replaces glycine 333 with arginine.
Molecular consequence: missense variant.
Genome position (GRCh38, 1-based): chr5:179,158,858, C>T on the plus strand (G>A on the coding strand, the complement: ADAMTS2 is on the minus strand). VCF-style: chr5-179158858-C-T. GRCh37 (hg19) VCF-style: chr5-178585859-C-T.
Other names: c.997G>A, p.Gly333Arg (NM_021599.4); short protein forms G333R.
Identifiers: ClinVar variation 100859 (VCV000100859.9), dbSNP rs483352736, ClinGen allele CA229144.

ClinVar aggregate classification (germline): Uncertain significance. Review status: criteria provided, multiple submitters, no conflicts (2 of 4 stars). 4 submissions from 3 submitters: Uncertain significance (2). 2 of the submissions do not count toward it. Last evaluated 2025-06-23.

Conditions:
Ehlers-Danlos syndrome, dermatosparaxis type. Also called: Ehlers-Danlos syndrome, type VII, autosomal recessive; EDS VIIC; Dermatosparaxis. Identifiers: Orphanet 1901, MedGen C2700425, MONDO:0009161, OMIM 225410.

Allele frequency attached by ClinVar (database versions not stated): TOPMed 0.00002; gnomAD 0.00004 and 0.00005; gnomAD exomes 0.00006; 1000 Genomes Project 30x 0.00016; 1000 Genomes Project 0.00020.
gnomAD v4.1: 75 of 1,614,090 alleles (0.0046%); highest among the groups gnomAD compares: South Asian, 0.053%; 1 homozygote.

Submissions (4):

Women's Health and Genetics/Laboratory Corporation of America, LabCorp
Classification: Uncertain significance. Last evaluated: 2025-06-23. Review status: criteria provided, single submitter. Criteria: LabCorp Variant Classification Summary - May 2015. Collection method: clinical testing. Allele origin: germline.
Comment: Variant summary: ADAMTS2 c.997G>A (p.Gly333Arg) results in a non-conservative amino acid change in the encoded protein sequence. Algorithms developed to predict the effect of missense changes on protein structure and function are either unavailable or do not agree on the potential impact of this missense change. The variant allele was found at a frequency of 6.4e-05 in 251098 control chromosomes in the gnomAD database, including 1 homozygotes. This frequency is not significantly higher than estimated for a pathogenic variant in ADAMTS2 causing Ehlers-Danlos syndrome, dermatosparaxis type (6.4e-05 vs 0.0011), allowing no conclusion about variant significance. To our knowledge, no occurrence of c.997G>A in individuals affected with Ehlers-Danlos syndrome, dermatosparaxis type and no experimental evidence demonstrating its impact on protein function have been reported. ClinVar contains an entry for this variant (Variation ID: 100859). Based on the evidence outlined above, the variant was classified as uncertain significance.

Labcorp Genetics (formerly Invitae), Labcorp
Classification: Uncertain significance for Ehlers-Danlos syndrome, dermatosparaxis type. Last evaluated: 2021-08-25. Review status: criteria provided, single submitter. Criteria: Invitae Variant Classification Sherloc (09022015). Collection method: clinical testing. Allele origin: germline.
Comment: This sequence change replaces glycine with arginine at codon 333 of the ADAMTS2 protein (p.Gly333Arg). The glycine residue is highly conserved and there is a moderate physicochemical difference between glycine and arginine. This variant is present in population databases (rs483352736, ExAC 0.07%), including at least one homozygous and/or hemizygous individual. This variant has not been reported in the literature in individuals affected with ADAMTS2-related conditions. ClinVar contains an entry for this variant (Variation ID: 100859). Algorithms developed to predict the effect of missense changes on protein structure and function (SIFT, PolyPhen-2, Align-GVGD) all suggest that this variant is likely to be disruptive. In summary, the available evidence is currently insufficient to determine the role of this variant in disease. Therefore, it has been classified as a Variant of Uncertain Significance.

Richard Lifton Laboratory, Yale University School of Medicine
Classification: Uncertain significance. Review status: no assertion criteria provided. Collection method: not provided. Allele origin: somatic. Not counted in ClinVar's aggregate classification.
Comment: ADAMTS2:p.G333R
ClinVar note: Converted during submission from unknown to Uncertain significance.

Richard Lifton Laboratory, Yale University School of Medicine
Classification: Uncertain significance. Review status: flagged submission. Collection method: not provided. Allele origin: somatic. Not counted in ClinVar's aggregate classification.
ClinVar note: Converted during submission from unknown to Uncertain significance.
ClinVar note: Reason: This record appears to be redundant with a more recent record from the same submitter.
ClinVar note: Notes: SCV000120083 appears to be redundant with SCV000155187.